The following is an entry in ClinVar:

NM_000238.4(KCNH2):c.1887C>A (p.Asn629Lys)

Gene: KCNH2 (potassium voltage-gated channel subfamily H member 2; minus strand). Cytogenetic location: 7q36.1.
Variant type: single nucleotide variant.
Coding change: c.1887C>A on transcript NM_000238.4 (MANE Select); coding-DNA position 1887, C replaced by A.
Protein change: p.Asn629Lys; replaces asparagine 629 with lysine.
Molecular consequence: missense variant.
Genome position (GRCh38, 1-based): chr7:150,951,506, G>T on the plus strand (C>A on the coding strand, the complement: KCNH2 is on the minus strand). VCF-style: chr7-150951506-G-T. GRCh37 (hg19) VCF-style: chr7-150648594-G-T.
Other names: c.1887C>A (LRG_288t1); c.867C>A, p.Asn289Lys (NM_001204798.2, NM_172057.3); c.1599C>A, p.Asn533Lys (NM_001406753.1, NM_001406756.1); c.1710C>A, p.Asn570Lys (NM_001406755.1); c.1587C>A, p.Asn529Lys (NM_001406757.1); c.1887C>A, p.Asn629Lys (NM_172056.3); short protein forms N289K, N629K, N529K, N533K, N570K.
Identifiers: ClinVar variation 67317 (VCV000067317.9), dbSNP rs41307295, ClinGen allele CA005864.
Genomic context (GRCh38, chr7:150,951,506, plus strand): 5'-ACAGCCAATGAGCATGACGCAGATGGAGAAGATCTTCTCTGAGTTGGTGTTGGGAGAGAC[G>T]TTGCCGAAGCCCACACTGGTGAGGCTGCTGAAGGTGAAGTAGAGCGCCGTCACATACTTG-3'
Protein context (NP_000229.1, residues 619-639): FSSLTSVGFG[Asn629Lys]VSPNTNSEKI

ClinVar aggregate classification (germline): Likely pathogenic. Review status: criteria provided, single submitter (1 of 4 stars). 2 submissions from 2 submitters: Likely pathogenic (1). 1 of the submissions does not count toward it. Last evaluated 2021-09-08.

Conditions:
Familial long QT syndrome (RWS). Also called: Congenital long QT syndrome; Romano-Ward syndrome; VENTRICULAR FIBRILLATION WITH PROLONGED QT INTERVAL. Identifiers: Orphanet 768, MedGen C1141890, MONDO:0019171.
Long QT syndrome (LQTS). Identifiers: MedGen C0023976, MeSH D008133, MONDO:0002442. Disease mechanism: loss of function. Inheritance: Various modes of inheritance.

Submissions (2):

Labcorp Genetics (formerly Invitae), Labcorp
Classification: Likely pathogenic for Long QT syndrome. Last evaluated: 2021-09-08. Review status: criteria provided, single submitter. Criteria: Invitae Variant Classification Sherloc (09022015). Collection method: clinical testing. Allele origin: germline.
Comment: This sequence change replaces asparagine with lysine at codon 629 of the KCNH2 protein (p.Asn629Lys). The asparagine residue is highly conserved and there is a moderate physicochemical difference between asparagine and lysine. This variant is not present in population databases (ExAC no frequency). This variant has been observed in individuals with long QT syndrome (PMID: 10517660; Invitae). ClinVar contains an entry for this variant (Variation ID: 67317). Algorithms developed to predict the effect of missense changes on protein structure and function are either unavailable or do not agree on the potential impact of this missense change (SIFT: "Deleterious"; PolyPhen-2: "Probably Damaging"; Align-GVGD: "Class C0"). Experimental studies have shown that this variant affects KCNH2 function (PMID: 10517660, 25417810). This variant disrupts the p.Asn629 amino acid residue in KCNH2. Other variant(s) that disrupt this residue have been determined to be pathogenic (PMID: 10973849, 16432067, 17905336, 19841300). This suggests that this residue is clinically significant, and that variants that disrupt this residue are likely to be disease-causing. In summary, the currently available evidence indicates that the variant is pathogenic, but additional data are needed to prove that conclusively. Therefore, this variant has been classified as Likely Pathogenic.

Cardiovascular Biomedical Research Unit, Royal Brompton & Harefield NHS Foundation Trust
No classification provided. Condition: Familial long QT syndrome. Review status: no classification provided. Collection method: literature only. Allele origin: germline. Not counted in ClinVar's aggregate classification.
Comment: This variant has been reported as associated with Long QT syndrome in the following publications (PMID:10517660). This is a literature report, and does not necessarily reflect the clinical interpretation of the Imperial College / Royal Brompton Cardiovascular Genetics laboratory.

Literature cited by the submitters: PubMed 10517660 (cited by Labcorp Genetics (formerly Invitae), Labcorp and Cardiovascular Biomedical Research Unit, Royal Brompton & Harefield NHS Foundation Trust); PubMed 25417810 (cited by Labcorp Genetics (formerly Invitae), Labcorp); PubMed 10973849 (cited by Labcorp Genetics (formerly Invitae), Labcorp); PubMed 16432067 (cited by Labcorp Genetics (formerly Invitae), Labcorp); PubMed 17905336 (cited by Labcorp Genetics (formerly Invitae), Labcorp); PubMed 19841300 (cited by Labcorp Genetics (formerly Invitae), Labcorp); PubMed 22581653 (cited by Cardiovascular Biomedical Research Unit, Royal Brompton & Harefield NHS Foundation Trust).